The following is an entry in ClinVar:

NM_012250.6(RRAS2):c.188G>A (p.Arg63Gln)

Gene: RRAS2 (RAS related 2; minus strand). Cytogenetic location: 11p15.2.
Variant type: single nucleotide variant.
Coding change: c.188G>A on transcript NM_012250.6 (MANE Select); coding-DNA position 188, G replaced by A.
Protein change: p.Arg63Gln; replaces arginine 63 with glutamine.
Molecular consequence: missense variant.
Genome position (GRCh38, 1-based): chr11:14,295,776, C>T on the plus strand (G>A on the coding strand, the complement: RRAS2 is on the minus strand). VCF-style: chr11-14295776-C-T. GRCh37 (hg19) VCF-style: chr11-14317322-C-T.
Other names: c.-44G>A (NM_001102669.3, NM_001177315.2); c.83G>A, p.Arg28Gln (NM_001177314.2); short protein forms R28Q, R63Q.
Identifiers: ClinVar variation 2959205 (VCV002959205.4), dbSNP rs782597266, ClinGen allele CA379860777.
Genomic context (GRCh38, chr11:14,295,776, plus strand): 5'-CTTTTTTAAAAAATATGATATGCAAATTATCAAACAAAGGAAGTTTACTTACTATCTAGC[C>T]GGGCTGCTCTGTCATCTATCACACACTGCTTTGTGTAAGAATCTTCAATGGTTGGATCAT-3'
Protein context (NP_036382.2, residues 53-73): KQCVIDDRAA[Arg63Gln]LDILDTAGQE

ClinVar aggregate classification (germline): Uncertain significance. Review status: criteria provided, multiple submitters, no conflicts (2 of 4 stars). 2 submissions from 2 submitters: Uncertain significance (2). Last evaluated 2026-10-01.

Conditions:
Noonan syndrome (NS). Also called: Noonan's syndrome. Identifiers: Orphanet 648, MedGen C0028326, MeSH D009634, MONDO:0018997. Disease mechanism: gain of function.

Submissions (2):

St. Jude Molecular Pathology, St. Jude Children's Research Hospital
Classification: Uncertain significance for Noonan syndrome. Last evaluated: 2026-10-01. Review status: criteria provided, single submitter. Criteria: St. Jude Assertion Criteria 2020. Collection method: clinical testing. Allele origin: germline.
Comment: The RRAS2 c.188G>A p.(Arg63Gln) missense change has a maximum subpopulation frequency of 0.003% in gnomAD v2.1.1. The in silico tool REVEL is inconclusive about a pathogenic or benign effect of this variant on protein function, and to our knowledge functional studies have not been performed. To our knowledge, this variant has not been reported in individuals with Noonan syndrome. In summary, the evidence currently available is insufficient to determine the clinical significance of this variant. It has therefore been classified as of uncertain significance.

Labcorp Genetics (formerly Invitae), Labcorp
Classification: Uncertain significance. Last evaluated: 2023-07-06. Review status: criteria provided, single submitter. Criteria: Invitae Variant Classification Sherloc (09022015). Collection method: clinical testing. Allele origin: germline.
Comment: This sequence change replaces arginine, which is basic and polar, with glutamine, which is neutral and polar, at codon 63 of the RRAS2 protein (p.Arg63Gln). In summary, the available evidence is currently insufficient to determine the role of this variant in disease. Therefore, it has been classified as a Variant of Uncertain Significance. An algorithm developed to predict the effect of missense changes on protein structure and function (PolyPhen-2) suggests that this variant is likely to be disruptive. This variant has not been reported in the literature in individuals affected with RRAS2-related conditions. The frequency data for this variant in the population databases is considered unreliable, as metrics indicate poor data quality at this position in the gnomAD database.